The following is an entry in ClinVar:

NM_002805.6(PSMC5):c.833A>G (p.Asn278Ser)

Gene: PSMC5 (proteasome 26S subunit, ATPase 5; plus strand). Cytogenetic location: 17q23.3.
Variant type: single nucleotide variant.
Coding change: c.833A>G on transcript NM_002805.6 (MANE Select); coding-DNA position 833, A replaced by G.
Protein change: p.Asn278Ser; replaces asparagine 278 with serine.
Molecular consequence: missense variant.
Genome position (GRCh38, 1-based): chr17:63,831,189, A>G. VCF-style: chr17-63831189-A-G. GRCh37 (hg19) VCF-style: chr17-61908549-A-G.
Other names: c.809A>G, p.Asn270Ser (NM_001199163.2); short protein forms N270S, N278S.
Identifiers: ClinVar variation 5027416 (VCV005027416.1).

ClinVar aggregate classification (germline): Uncertain significance (1 of 4 stars; one submission).

gnomAD v4.1: 1 of 1,561,558 alleles (0.000064%); highest among the groups gnomAD compares: Non-Finnish European, 0.000087%; no homozygotes.

Submission:

Ambry Genetics
Classification: Uncertain significance. Last evaluated: 2026-08-05. Review status: criteria provided, single submitter. Criteria: Ambry Variant Classification Scheme 2023. Collection method: clinical testing. Allele origin: germline.
Comment: The c.833A>G (p.N278S) alteration is located in exon 8 (coding exon 8) of the PSMC5 gene. This alteration results from a A to G substitution at nucleotide position 833, causing the asparagine (N) at amino acid position 278 to be replaced by a serine (S). Based on data from gnomAD, the G allele has an overall frequency of <0.001% (0/210802) total alleles studied. The highest observed frequency was <0.001% (/) of alleles. Based on insufficient or conflicting evidence, the clinical significance of this alteration remains unclear.